The following is an entry in ClinVar:

NM_017841.4(SDHAF2):c.314A>G (p.Tyr105Cys)

Gene: SDHAF2 (succinate dehydrogenase complex assembly factor 2; plus strand). Cytogenetic location: 11q12.2.
Variant type: single nucleotide variant.
Coding change: c.314A>G on transcript NM_017841.4 (MANE Select); coding-DNA position 314, A replaced by G.
Protein change: p.Tyr105Cys; replaces tyrosine 105 with cysteine.
Molecular consequence: missense variant.
Genome position (GRCh38, 1-based): chr11:61,438,057, A>G. VCF-style: chr11-61438057-A-G. GRCh37 (hg19) VCF-style: chr11-61205529-A-G.
Other names: short protein forms Y105C.
Identifiers: ClinVar variation 649791 (VCV000649791.13), dbSNP rs1402726087, ClinGen allele CA380684132.

ClinVar aggregate classification (germline): Uncertain significance. Review status: criteria provided, multiple submitters, no conflicts (2 of 4 stars). 4 submissions from 4 submitters: Uncertain significance (4). Last evaluated 2025-04-06.

Conditions:
Hereditary pheochromocytoma and paraganglioma. Also called: Hereditary Paraganglioma-Pheochromocytoma Syndromes; Hereditary paragangliomas and pheochromocytomas; Hereditary pheochromocytoma-paraganglioma. Identifiers: Orphanet 29072, MedGen C4274332, MONDO:0017366.
Hereditary cancer-predisposing syndrome. Also called: Neoplastic Syndromes, Hereditary; Hereditary Cancer Syndrome; Tumor predisposition; Hereditary neoplastic syndrome. Identifiers: Orphanet 140162, MedGen C0027672, MeSH D009386, MONDO:0015356.

Allele frequency attached by ClinVar (database versions not stated): gnomAD exomes below 0.00001; TOPMed below 0.00001; gnomAD 0.00001.
gnomAD v4.1: 4 of 1,613,992 alleles (0.00025%); highest among the groups gnomAD compares: Non-Finnish European, 0.00025%; no homozygotes.

Submissions (4):

Ambry Genetics
Classification: Uncertain significance for Hereditary cancer-predisposing syndrome. Last evaluated: 2025-04-06. Review status: criteria provided, single submitter. Criteria: Ambry Variant Classification Scheme 2023. Collection method: clinical testing. Allele origin: germline.
Comment: The p.Y105C variant (also known as c.314A>G), located in coding exon 3 of the SDHAF2 gene, results from an A to G substitution at nucleotide position 314. The tyrosine at codon 105 is replaced by cysteine, an amino acid with highly dissimilar properties. This amino acid position is highly conserved in available vertebrate species. In addition, this alteration is predicted to be deleterious by in silico analysis. Since supporting evidence is limited at this time, the clinical significance of this alteration remains unclear.

Labcorp Genetics (formerly Invitae), Labcorp
Classification: Uncertain significance for Hereditary pheochromocytoma and paraganglioma. Last evaluated: 2024-04-29. Review status: criteria provided, single submitter. Criteria: Invitae Variant Classification Sherloc (09022015). Collection method: clinical testing. Allele origin: germline.
Comment: This sequence change replaces tyrosine, which is neutral and polar, with cysteine, which is neutral and slightly polar, at codon 105 of the SDHAF2 protein (p.Tyr105Cys). This variant is not present in population databases (gnomAD no frequency). This variant has not been reported in the literature in individuals affected with SDHAF2-related conditions. ClinVar contains an entry for this variant (Variation ID: 649791). An algorithm developed to predict the effect of missense changes on protein structure and function (PolyPhen-2) suggests that this variant is likely to be disruptive. In summary, the available evidence is currently insufficient to determine the role of this variant in disease. Therefore, it has been classified as a Variant of Uncertain Significance.

Blueprint Genetics
Classification: Uncertain significance. Last evaluated: 2024-02-09. Review status: criteria provided, single submitter. Criteria: ACMG Guidelines, 2015. Collection method: clinical testing. Allele origin: germline.

GeneDx
Classification: Uncertain significance. Last evaluated: 2023-03-07. Review status: criteria provided, single submitter. Criteria: GeneDx Variant Classification Process June 2021. Collection method: clinical testing. Allele origin: germline. Affected: yes.
Comment: Not observed at significant frequency in large population cohorts (gnomAD); In silico analysis supports that this missense variant has a deleterious effect on protein structure/function; Has not been previously published as pathogenic or benign to our knowledge